The following is an entry in ClinVar:

NM_002637.4(PHKA1):c.1137+12A>G

Gene: PHKA1 (phosphorylase kinase regulatory subunit alpha 1; minus strand). Cytogenetic location: Xq13.1.
Variant type: single nucleotide variant.
Coding change: c.1137+12A>G on transcript NM_002637.4 (MANE Select); 12 bases into the intron after coding-DNA position 1137, A replaced by G.
Molecular consequence: intron variant.
Genome position (GRCh38, 1-based): chrX:72,653,423, T>C on the plus strand (A>G on the coding strand, the complement: PHKA1 is on the minus strand). VCF-style: chrX-72653423-T-C. GRCh37 (hg19) VCF-style: chrX-71873273-T-C.
Other names: c.1137+12A>G (NM_001172436.2, NM_001122670.2).
Identifiers: ClinVar variation 511513 (VCV000511513.6), dbSNP rs1556299862, ClinGen allele CA642479416.
Genomic context (GRCh38, chrX:72,653,423, plus strand): 5'-AAATGAGGTAGTCTGATCAAGGTACTGCTCCTCTTCTCTATCAGCTACATGTTATGGCAC[T>C]GTCTGACTCACCCTGTCAGGAGGAACACTGTACAGCTCTGGCAGAAGTGGGACTCCATTT-3'

ClinVar aggregate classification (germline): Likely benign. Review status: criteria provided, multiple submitters, no conflicts (2 of 4 stars). 2 submissions from 2 submitters: Likely benign (2). Last evaluated 2024-10-21.

Conditions:
Glycogen storage disease IXd (GSD9D). Also called: Muscle Phosphorylase Kinase Deficiency; GSD IXd. Identifiers: Orphanet 715, MedGen C1845151, MONDO:0010362, OMIM 300559.

Allele frequency attached by ClinVar (database versions not stated): gnomAD exomes 0.00001; TOPMed 0.00001.
gnomAD v4.1: 7 of 1,146,041 alleles (0.00061%); highest among the groups gnomAD compares: Non-Finnish European, 0.00084%; no homozygotes.

Submissions (2):

Labcorp Genetics (formerly Invitae), Labcorp
Classification: Likely benign for Glycogen storage disease IXd. Last evaluated: 2024-10-21. Review status: criteria provided, single submitter. Criteria: Invitae Variant Classification Sherloc (09022015). Collection method: clinical testing. Allele origin: germline.

GeneDx
Classification: Likely benign. Last evaluated: 2017-08-17. Review status: criteria provided, single submitter. Criteria: GeneDx Variant Classification (06012015). Collection method: clinical testing. Allele origin: germline. Affected: yes.
Comment: This variant is considered likely benign or benign based on one or more of the following criteria: it is a conservative change, it occurs at a poorly conserved position in the protein, it is predicted to be benign by multiple in silico algorithms, and/or has population frequency not consistent with disease.